The following is an entry in ClinVar:

ClinVar aggregate classification (germline): Uncertain significance (1 of 4 stars; one submission).

Conditions:
Cardiovascular phenotype. Identifiers: MedGen CN230736.

Submission:

Ambry Genetics
Classification: Uncertain significance for Cardiovascular phenotype. Last evaluated: 2025-09-07. Review status: criteria provided, single submitter. Criteria: Ambry Variant Classification Scheme 2023. Collection method: clinical testing. Allele origin: germline.
Comment: The p.G334D variant (also known as c.1001G>A), located in coding exon 2 of the JPH2 gene, results from a G to A substitution at nucleotide position 1001. The glycine at codon 334 is replaced by aspartic acid, an amino acid with similar properties. This amino acid position is conserved. In addition, this alteration is predicted to be deleterious by in silico analysis. Based on the available evidence, the clinical significance of this variant remains unclear.

NM_020433.5(JPH2):c.1001G>A (p.Gly334Asp)

Gene: JPH2 (junctophilin 2; minus strand). Cytogenetic location: 20q13.12.
Variant type: single nucleotide variant.
Coding change: c.1001G>A on transcript NM_020433.5 (MANE Select); coding-DNA position 1001, G replaced by A.
Protein change: p.Gly334Asp; replaces glycine 334 with aspartic acid.
Molecular consequence: missense variant.
Genome position (GRCh38, 1-based): chr20:44,159,786, C>T on the plus strand (G>A on the coding strand, the complement: JPH2 is on the minus strand). VCF-style: chr20-44159786-C-T. GRCh37 (hg19) VCF-style: chr20-42788426-C-T.
Other names: short protein forms G334D.
Identifiers: ClinVar variation 4089457 (VCV004089457.1).